The following is an entry in ClinVar:

NM_005993.5(TBCD):c.3059G>A (p.Gly1020Asp)

Gene: TBCD (tubulin folding cofactor D). Cytogenetic location: 17q25.3.
Variant type: single nucleotide variant.
Coding change: c.3059G>A on transcript NM_005993.5 (MANE Select); coding-DNA position 3059, G replaced by A.
Protein change: p.Gly1020Asp; replaces glycine 1020 with aspartic acid.
Molecular consequence: missense variant.
Genome position (GRCh38, 1-based): chr17:82,930,589, G>A. VCF-style: chr17-82930589-G-A. GRCh37 (hg19) VCF-style: chr17-80888465-G-A.
Other names: c.3008G>A, p.Gly1003Asp (NM_001411101.1); c.2978G>A, p.Gly993Asp (NM_001411102.1); short protein forms G1003D, G1020D, G993D.
Identifiers: ClinVar variation 2428787 (VCV002428787.3), dbSNP rs2510781203, ClinGen allele CA401635260.

ClinVar aggregate classification (germline): Uncertain significance (1 of 4 stars; one submission).

Allele frequency attached by ClinVar (database versions not stated): gnomAD exomes below 0.00001.
gnomAD v4.1: 1 of 1,613,958 alleles (0.000062%); highest among the groups gnomAD compares: East Asian, 0.0022%; no homozygotes.

Submission:

GeneDx
Classification: Uncertain significance. Last evaluated: 2022-08-04. Review status: criteria provided, single submitter. Criteria: GeneDx Variant Classification Process June 2021. Collection method: clinical testing. Allele origin: germline. Affected: yes.
Comment: Not observed at significant frequency in large population cohorts (gnomAD); In silico analysis supports that this missense variant does not alter protein structure/function; Has not been previously published as pathogenic or benign to our knowledge